The following is an entry in ClinVar:

ClinVar aggregate classification (germline): Likely pathogenic. Review status: criteria provided, multiple submitters, no conflicts (2 of 4 stars). 2 submissions from 2 submitters: Likely pathogenic (2). Last evaluated 2024-05-02.

Conditions:
VPS13A-related neurodegenerative disease. Also called: Choreoacanthocytosis; Chorea-acanthocytosis; VPS13A Disease; Choreaacanthocytosis; ACANTHOCYTOSIS WITH NEUROLOGIC DISORDER; LEVINE-CRITCHLEY SYNDROME. Identifiers: Orphanet 2388, MedGen C0393576, MONDO:0008695, OMIM 200150.

Submissions (2):

Natera, Inc.
Classification: Likely pathogenic for Choreaacanthocytosis. Last evaluated: 2024-05-02. Review status: criteria provided, single submitter. Criteria: Natera Variant Classification Schema (03/2026). Collection method: clinical testing. Allele origin: germline.
Comment: The c.7290-1G>C variant in VPS13A is a canonical splice acceptor site variant predicted to affect pre-mRNA splicing, which may result in an abnormal transcript and altered protein product. This variant is expected to result in nonsense mediated decay, truncation, or a dysfunctional protein product. This variant is rare in the general population with a frequency below the threshold expected for the associated phenotype(s). Given the available evidence, this variant is classified as Likely Pathogenic.

Labcorp Genetics (formerly Invitae), Labcorp
Classification: Likely pathogenic. Last evaluated: 2024-02-24. Review status: criteria provided, single submitter. Criteria: Invitae Variant Classification Sherloc (09022015). Collection method: clinical testing. Allele origin: germline.
Comment: This sequence change affects an acceptor splice site in intron 52 of the VPS13A gene. It is expected to disrupt RNA splicing. Variants that disrupt the donor or acceptor splice site typically lead to a loss of protein function (PMID: 16199547), and loss-of-function variants in VPS13A are known to be pathogenic (PMID: 12404112, 21598378). This variant is not present in population databases (gnomAD no frequency). This variant has not been reported in the literature in individuals affected with VPS13A-related conditions. ClinVar contains an entry for this variant (Variation ID: 1501781). Algorithms developed to predict the effect of sequence changes on RNA splicing suggest that this variant may disrupt the consensus splice site. In summary, the currently available evidence indicates that the variant is pathogenic, but additional data are needed to prove that conclusively. Therefore, this variant has been classified as Likely Pathogenic.

Literature cited by the submitters: PubMed 16199547 (cited by Labcorp Genetics (formerly Invitae), Labcorp); PubMed 12404112 (cited by Labcorp Genetics (formerly Invitae), Labcorp); PubMed 21598378 (cited by Labcorp Genetics (formerly Invitae), Labcorp).

NM_033305.3(VPS13A):c.7290-1G>C

Gene: VPS13A (vacuolar protein sorting 13 homolog A; plus strand). Cytogenetic location: 9q21.2.
Variant type: single nucleotide variant.
Coding change: c.7290-1G>C on transcript NM_033305.3 (MANE Select); the canonical splice acceptor site of the intron before coding-DNA position 7290, G replaced by C.
Molecular consequence: splice acceptor variant.
Genome position (GRCh38, 1-based): chr9:77,351,316, G>C. VCF-style: chr9-77351316-G-C. GRCh37 (hg19) VCF-style: chr9-79966232-G-C.
Other names: c.7173-1G>C (NM_001018037.2); c.7290-1G>C (NM_015186.4, NM_001018038.3, NM_033305.2).
Identifiers: ClinVar variation 1501781 (VCV001501781.7), dbSNP rs2131540817, ClinGen allele CA373854337.